The following is an entry in ClinVar:

ClinVar aggregate classification (germline): Uncertain significance (1 of 4 stars; one submission).

Conditions:
Juvenile polyposis syndrome (JPS). Identifiers: Orphanet 2929, MedGen C0345893, MONDO:0017380, OMIM 174900.

Submission:

Labcorp Genetics (formerly Invitae), Labcorp
Classification: Uncertain significance for Juvenile polyposis syndrome. Last evaluated: 2025-03-11. Review status: criteria provided, single submitter. Criteria: Invitae Variant Classification Sherloc (09022015). Collection method: clinical testing. Allele origin: germline.
Comment: This sequence change replaces aspartic acid, which is acidic and polar, with valine, which is neutral and non-polar, at codon 124 of the SMAD4 protein (p.Asp124Val). This variant is not present in population databases (gnomAD no frequency). This variant has not been reported in the literature in individuals affected with SMAD4-related conditions. Invitae Evidence Modeling of protein sequence and biophysical properties (such as structural, functional, and spatial information, amino acid conservation, physicochemical variation, residue mobility, and thermodynamic stability) has been performed for this missense variant. However, the output from this modeling did not meet the statistical confidence thresholds required to predict the impact of this variant on SMAD4 protein function. In summary, the available evidence is currently insufficient to determine the role of this variant in disease. Therefore, it has been classified as a Variant of Uncertain Significance.

NM_005359.6(SMAD4):c.371A>T (p.Asp124Val)

Gene: SMAD4 (SMAD family member 4; plus strand). Cytogenetic location: 18q21.2.
Variant type: single nucleotide variant.
Coding change: c.371A>T on transcript NM_005359.6 (MANE Select); coding-DNA position 371, A replaced by T.
Protein change: p.Asp124Val; replaces aspartic acid 124 with valine.
Molecular consequence: missense variant. On other transcripts: non-coding transcript variant (2).
Genome position (GRCh38, 1-based): chr18:51,048,807, A>T. VCF-style: chr18-51048807-A-T. GRCh37 (hg19) VCF-style: chr18-48575177-A-T.
Other names: c.371A>T, p.Asp124Val (NM_001407041.1, NM_001407042.1, NM_001407043.1); short protein forms D124V.
Identifiers: ClinVar variation 4803018 (VCV004803018.1).